The following is an entry in ClinVar:

NM_015570.4(AUTS2):c.593_603del (p.His198fs)

Gene: AUTS2 (activator of transcription and developmental regulator AUTS2; plus strand). Cytogenetic location: 7q11.22.
Variant type: Deletion.
Coding change: c.593_603del on transcript NM_015570.4 (MANE Select); coding-DNA positions 593 to 603, 11 bases deleted (ACCGGAGCAGC).
Protein change: p.His198fs; shifts the reading frame from histidine 198.
Molecular consequence: frameshift variant.
Genome position (GRCh38, 1-based): chr7:70,118,202-70,118,212, ACCGGAGCAGC deleted; deleting any 11 consecutive bases within chr7:70,118,201-70,118,212 gives the same sequence; the c. name uses the placement nearest the transcript's 3' end. VCF-style (leftmost placement, unchanged base first): chr7-70118200-CCACCGGAGCAG-C. GRCh37 (hg19) VCF-style: chr7-69583186-CCACCGGAGCAG-C.
Other names: c.593_603del, p.His198fs (NM_001127231.3, NM_001127232.3); short protein forms H198fs.
Identifiers: ClinVar variation 4814209 (VCV004814209.1).

ClinVar aggregate classification (germline): Pathogenic (1 of 4 stars; one submission).

Conditions:
AUTS2-related neurodevelopmental disorder.

Submission:

Rady Children's Institute for Genomic Medicine, Rady Children's Hospital San Diego
Classification: Pathogenic for AUTS2-related neurodevelopmental disorder. Last evaluated: 2025-12-30. Review status: criteria provided, single submitter. Criteria: ACMG Guidelines, 2015. Collection method: clinical testing. Allele origin: germline. Affected: yes.
Comment: This frameshifting variant in exon 3 of 19 is predicted to result in loss of normal protein function through either protein truncation or nonsense-mediated mRNA decay. The AUTS2 gene is constrained against loss-of-function variation (pLI = 1), and loss-of-function variants are an established mechanism of disease (HGMD, ClinVar database; PMID: 25533347, 23332918). This variant has not been previously reported or functionally characterized in the literature to our knowledge. The c.593_603del (p.His198LeufsTer7) variant is absent from the latest version of the gnomAD population database and thus is presumed to be rare. Based on parental analysis, this variant likely occurred as a de novo event. Based on the available evidence, c.593_603del (p.His198LeufsTer7) is classified as Pathogenic.

Literature cited by the submitters: PubMed 25533347; PubMed 23332918.